The following is an entry in ClinVar:

NM_052963.3(TOP1MT):c.1421G>A (p.Ser474Asn)

Gene: TOP1MT (DNA topoisomerase I mitochondrial; minus strand). Cytogenetic location: 8q24.3.
Variant type: single nucleotide variant.
Coding change: c.1421G>A on transcript NM_052963.3 (MANE Select); coding-DNA position 1421, G replaced by A.
Protein change: p.Ser474Asn; replaces serine 474 with asparagine.
Molecular consequence: missense variant.
Genome position (GRCh38, 1-based): chr8:143,316,036, C>T on the plus strand (G>A on the coding strand, the complement: TOP1MT is on the minus strand). VCF-style: chr8-143316036-C-T. GRCh37 (hg19) VCF-style: chr8-144398206-C-T.
Other names: c.1127G>A, p.Ser376Asn (NM_001258446.1, NM_001258447.1); short protein forms S376N, S474N.
Identifiers: ClinVar variation 1930211 (VCV001930211.7), dbSNP rs141292082, ClinGen allele CA4908313.
Genomic context (GRCh38, chr8:143,316,036, plus strand): 5'-GGGGCTCTCCTGGGAGCTGCTACCTTCGTCTGGAGATTCTGCATCGACTTCTCGAACGTA[C>T]TGGGGGTTGCTCGCTGATGGTTGCAGAGAATGGCCACGACTCGGTTGGCTCGGTTGTAGG-3'
Protein context (NP_443195.1, residues 464-484): ILCNHQRATP[Ser474Asn]TFEKSMQNLQ

ClinVar aggregate classification (germline): Uncertain significance. Review status: criteria provided, multiple submitters, no conflicts (2 of 4 stars). 2 submissions from 2 submitters: Uncertain significance (2). Last evaluated 2025-04-07.

Allele frequency attached by ClinVar (database versions not stated): ExAC 0.00002; gnomAD exomes 0.00003; TOPMed 0.00006; gnomAD 0.00007; ESP Exome Variant Server 0.00008.
gnomAD v4.1: 57 of 1,614,024 alleles (0.0035%); highest among the groups gnomAD compares: African/African-American, 0.0093%; no homozygotes.

Submissions (2):

Ambry Genetics
Classification: Uncertain significance. Last evaluated: 2025-04-07. Review status: criteria provided, single submitter. Criteria: Ambry Variant Classification Scheme 2023. Collection method: clinical testing. Allele origin: germline.

Labcorp Genetics (formerly Invitae), Labcorp
Classification: Uncertain significance. Last evaluated: 2022-05-27. Review status: criteria provided, single submitter. Criteria: Invitae Variant Classification Sherloc (09022015). Collection method: clinical testing. Allele origin: germline.
Comment: This sequence change replaces serine, which is neutral and polar, with asparagine, which is neutral and polar, at codon 474 of the TOP1MT protein (p.Ser474Asn). In summary, the available evidence is currently insufficient to determine the role of this variant in disease. Therefore, it has been classified as a Variant of Uncertain Significance. Algorithms developed to predict the effect of missense changes on protein structure and function are either unavailable or do not agree on the potential impact of this missense change (SIFT: "Deleterious"; PolyPhen-2: "Benign"; Align-GVGD: "Class C0"). This variant has not been reported in the literature in individuals affected with TOP1MT-related conditions. This variant is present in population databases (rs141292082, gnomAD 0.008%).